The following is an entry in ClinVar:

NM_020964.3(EPG5):c.7469C>T (p.Ala2490Val)

Gene: EPG5 (ectopic P-granules 5 autophagy tethering factor; minus strand). Cytogenetic location: 18q12.3.
Variant type: single nucleotide variant.
Coding change: c.7469C>T on transcript NM_020964.3 (MANE Select); coding-DNA position 7469, C replaced by T.
Protein change: p.Ala2490Val; replaces alanine 2490 with valine.
Molecular consequence: missense variant.
Genome position (GRCh38, 1-based): chr18:45,855,661, G>A on the plus strand (C>T on the coding strand, the complement: EPG5 is on the minus strand). VCF-style: chr18-45855661-G-A. GRCh37 (hg19) VCF-style: chr18-43435626-G-A.
Other names: c.7469C>T, p.Ala2490Val (NM_001410858.1); c.7466C>T, p.Ala2489Val (NM_001410859.1); short protein forms A2490V, A2489V.
Identifiers: ClinVar variation 2885959 (VCV002885959.3), dbSNP rs915990255, ClinGen allele CA299688129.

ClinVar aggregate classification (germline): Uncertain significance (1 of 4 stars; one submission).

Conditions:
Vici syndrome (VICIS). Identifiers: Orphanet 1493, MedGen C1855772, MONDO:0009452, OMIM 242840.

Allele frequency attached by ClinVar (database versions not stated): gnomAD exomes 0.00001.
gnomAD v4.1: 16 of 1,614,190 alleles (0.00099%); highest among the groups gnomAD compares: Non-Finnish European, 0.0014%; no homozygotes.

Submission:

Labcorp Genetics (formerly Invitae), Labcorp
Classification: Uncertain significance for Vici syndrome. Last evaluated: 2025-12-08. Review status: criteria provided, single submitter. Criteria: Invitae Variant Classification Sherloc (09022015). Collection method: clinical testing. Allele origin: germline.
Comment: This sequence change replaces alanine, which is neutral and non-polar, with valine, which is neutral and non-polar, at codon 2490 of the EPG5 protein (p.Ala2490Val). This variant is present in population databases (no rsID available, gnomAD 0.0009%). This variant has not been reported in the literature in individuals affected with EPG5-related conditions. ClinVar contains an entry for this variant (Variation ID: 2885959). Invitae Evidence Modeling of protein sequence and biophysical properties (such as structural, functional, and spatial information, amino acid conservation, physicochemical variation, residue mobility, and thermodynamic stability) indicates that this missense variant is not expected to disrupt EPG5 protein function with a negative predictive value of 80%. In summary, the available evidence is currently insufficient to determine the role of this variant in disease. Therefore, it has been classified as a Variant of Uncertain Significance.